The following is an entry in ClinVar:

ClinVar aggregate classification (germline): Pathogenic (1 of 4 stars; one submission).

Conditions:
Ataxia-telangiectasia syndrome (AT). Also called: Ataxia-telangiectasia, complementation group D; AT, COMPLEMENTATION GROUP C; ATAXIA-TELANGIECTASIA, COMPLEMENTATION GROUP A; ATAXIA-TELANGIECTASIA, FRESNO VARIANT; Ataxia-telangiectasia; Ataxia-telangiectasia, complementation group E. Identifiers: Orphanet 100, MedGen C0004135, MONDO:0008840, OMIM 208900.

Submission:

Labcorp Genetics (formerly Invitae), Labcorp
Classification: Pathogenic for Ataxia-telangiectasia syndrome. Last evaluated: 2025-10-27. Review status: criteria provided, single submitter. Criteria: Invitae Variant Classification Sherloc (09022015). Collection method: clinical testing. Allele origin: germline.
Comment: This sequence change creates a premature translational stop signal (p.Leu2018Phefs*29) in the ATM gene. It is expected to result in an absent or disrupted protein product. Loss-of-function variants in ATM are known to be pathogenic (PMID: 23807571, 25614872). This variant is not present in population databases (gnomAD no frequency). This variant has not been reported in the literature in individuals affected with ATM-related conditions. For these reasons, this variant has been classified as Pathogenic.

Literature cited by the submitters: PubMed 23807571; PubMed 25614872.

NM_000051.4(ATM):c.6054del (p.Leu2018fs)

Genes: ATM (ATM serine/threonine kinase; plus strand), C11orf65 (chromosome 11 open reading frame 65; minus strand). Cytogenetic location: 11q22.3.
Variant type: Deletion.
Coding change: c.6054del on transcript NM_000051.4 (MANE Select); coding-DNA position 6054, one base deleted (G; older notation c.6054delG).
Protein change: p.Leu2018fs; shifts the reading frame from leucine 2018.
Molecular consequence: frameshift variant. On other transcripts: intron variant (2).
Genome position (GRCh38, 1-based): chr11:108,315,870, G deleted. VCF-style (leftmost placement, unchanged base first): chr11-108315869-TG-T. GRCh37 (hg19) VCF-style: chr11-108186596-TG-T.
Other names: c.6054del, p.Leu2018fs (NM_001351834.2); c.641-6799del (NM_001330368.2); c.*39-6799del (NM_001351110.2); short protein forms L2018fs.
Identifiers: ClinVar variation 4729992 (VCV004729992.1).
Genomic context (GRCh38, chr11:108,315,869, plus strand): 5'-TTCCATGTTTTCAGGATCTTCTCTTAGAAATCTACAGAAGTATAGGGGAGCCAGATAGTT[TG>T]TATGGCTGTGGTGGAGGGAAGATGTTACAACCCATTACTAGGTAAATTGCATTTTTCTAA-3'